The following is an entry in ClinVar:

NM_178857.6(RP1L1):c.2369C>T (p.Ala790Val)

Gene: RP1L1 (RP1 like 1). Cytogenetic location: 8p23.1.
Variant type: single nucleotide variant.
Coding change: c.2369C>T on transcript NM_178857.6 (MANE Select); coding-DNA position 2369, C replaced by T.
Protein change: p.Ala790Val; replaces alanine 790 with valine.
Molecular consequence: missense variant.
Genome position (GRCh38, 1-based): chr8:10,611,729, G>A on the plus strand (C>T on the coding strand, the complement: RP1L1 is on the minus strand). VCF-style: chr8-10611729-G-A. GRCh37 (hg19) VCF-style: chr8-10469239-G-A.
Other names: short protein forms A790V.
Identifiers: ClinVar variation 3026139 (VCV003026139.22), dbSNP rs2486295781, ClinGen allele CA370291449.

ClinVar aggregate classification (germline): Uncertain significance (1 of 4 stars; one submission).

Submission:

CeGaT Center for Human Genetics Tuebingen
Classification: Uncertain significance. Last evaluated: 2024-02-01. Review status: criteria provided, single submitter. Criteria: CeGaT Center For Human Genetics Tuebingen Variant Classification Criteria Version 2. Collection method: clinical testing. Allele origin: germline. Affected: yes. Observed: 1 variant allele.
Comment: RP1L1: PM2, BP4